The following is an entry in ClinVar:

NC_000004.12:g.1394592T>C

Genes: CRIPAK (cysteine rich PAK1 inhibitor; plus strand), UVSSA (UV stimulated scaffold protein A; plus strand), LOC126806945 (P300/CBP strongly-dependent group 1 enhancer GRCh37_chr4:1388225-1389424; plus strand). Cytogenetic location: 4p16.3.
Variant type: single nucleotide variant.
Genome position: GRCh38 VCF-style: chr4-1394592-T-C. GRCh37 (hg19) VCF-style: chr4-1388380-T-C.
Identifiers: ClinVar variation 4533428 (VCV004533428.6).

ClinVar aggregate classification (germline): Likely benign (1 of 4 stars; one submission).

Submission:

CeGaT Center for Human Genetics Tuebingen
Classification: Likely benign. Last evaluated: 2026-01-01. Review status: criteria provided, single submitter. Criteria: CeGaT Center For Human Genetics Tuebingen Variant Classification Criteria Version 2. Collection method: clinical testing. Allele origin: germline. Affected: yes. Observed: 2 variant alleles.
Comment: CRIPAK: PM2:Supporting, BP4, BP7